The following is an entry in ClinVar:

NM_000432.4(MYL2):c.402+6G>C

Gene: MYL2 (myosin light chain 2; minus strand). Cytogenetic location: 12q24.11.
Variant type: single nucleotide variant.
Coding change: c.402+6G>C on transcript NM_000432.4 (MANE Select); 6 bases into the intron after coding-DNA position 402, G replaced by C.
Molecular consequence: intron variant.
Genome position (GRCh38, 1-based): chr12:110,913,090, C>G on the plus strand (G>C on the coding strand, the complement: MYL2 is on the minus strand). VCF-style: chr12-110913090-C-G. GRCh37 (hg19) VCF-style: chr12-111350894-C-G.
Identifiers: ClinVar variation 237782 (VCV000237782.13), dbSNP rs749765328, ClinGen allele CA042563.

ClinVar aggregate classification (germline): Conflicting classifications of pathogenicity. Review status: criteria provided, conflicting classifications (1 of 4 stars). 3 submissions from 3 submitters: Uncertain significance (1); Likely benign (1). 1 of the submissions does not count toward it. Last evaluated 2025-12-12.

Conditions:
MYL2-related disorder. Also called: MYL2-related condition; MYL2-related disease; MYL2-related disorders.
Cardiomyopathy (CMYO). Also called: Cardiomyopathies. Identifiers: Orphanet 167848, MedGen C0878544, MONDO:0004994, HP:0001638. Inheritance: Various modes of inheritance.
Hypertrophic cardiomyopathy 10. Also called: CARDIOMYOPATHY, HYPERTROPHIC, MID-LEFT VENTRICULAR CHAMBER TYPE, 2; MYL2-Related Familial Hypertrophic Cardiomyopathy. Identifiers: MedGen C1834460, MONDO:0012112, OMIM 608758.

Allele frequency attached by ClinVar (database versions not stated): ExAC 0.00001; TOPMed 0.00001; gnomAD 0.00002; gnomAD exomes 0.00002 and 0.00007.
gnomAD v4.1: 97 of 1,614,050 alleles (0.006%); highest among the groups gnomAD compares: Non-Finnish European, 0.0082%; no homozygotes.

Submissions (3):

Labcorp Genetics (formerly Invitae), Labcorp
Classification: Uncertain significance for Hypertrophic cardiomyopathy 10. Last evaluated: 2025-12-12. Review status: criteria provided, single submitter. Criteria: Invitae Variant Classification Sherloc (09022015). Collection method: clinical testing. Allele origin: germline.
Comment: This sequence change falls in intron 6 of the MYL2 gene. It does not directly change the encoded amino acid sequence of the MYL2 protein. It affects a nucleotide within the consensus splice site. This variant is present in population databases (rs749765328, gnomAD 0.004%). This variant has not been reported in the literature in individuals affected with MYL2-related conditions. ClinVar contains an entry for this variant (Variation ID: 237782). Variants that disrupt the consensus splice site are a relatively common cause of aberrant splicing (PMID: 17576681, 9536098). Algorithms developed to predict the effect of sequence changes on RNA splicing suggest that this variant is not likely to affect RNA splicing. In summary, the available evidence is currently insufficient to determine the role of this variant in disease. Therefore, it has been classified as a Variant of Uncertain Significance.

Color Diagnostics, LLC DBA Color Health
Classification: Likely benign for Cardiomyopathy. Last evaluated: 2019-09-15. Review status: criteria provided, single submitter. Criteria: ACMG Guidelines, 2015. Collection method: clinical testing. Allele origin: germline.

PreventionGenetics, part of Exact Sciences
Classification: Likely benign for MYL2-related condition. Last evaluated: 2020-08-31. Review status: no assertion criteria provided. Collection method: clinical testing. Allele origin: germline. Not counted in ClinVar's aggregate classification.
Comment: This variant is classified as likely benign based on ACMG/AMP sequence variant interpretation guidelines (Richards et al. 2015 PMID: 25741868, with internal and published modifications).

Literature cited by the submitters: PubMed 17576681 (cited by Labcorp Genetics (formerly Invitae), Labcorp); PubMed 9536098 (cited by Labcorp Genetics (formerly Invitae), Labcorp).